The following is an entry in ClinVar:

ClinVar aggregate classification (germline): Benign. Review status: criteria provided, single submitter (1 of 4 stars). 2 submissions from 1 submitter: Benign (2). Last evaluated 2018-01-13.

Conditions:
Alternating hemiplegia of childhood 2 (AHC2). Also called: Alternating Hemiplegia of Childhood (AHC). Identifiers: Orphanet 2131, MedGen C3553788, MONDO:0013900, OMIM 614820.
Dystonia 12 (DYT12). Also called: DYT-ATP1A3; Rapid-Onset Dystonia-Parkinsonism (RDP). Identifiers: Orphanet 71517, MedGen C1868681, MONDO:0007496, OMIM 128235.

Allele frequency attached by ClinVar (database versions not stated): gnomAD exomes 0.00034 and 0.00079; gnomAD 0.00043 and 0.00044; TOPMed 0.00050; ExAC 0.00203.
gnomAD v4.1: 585 of 1,531,030 alleles (0.038%); highest among the groups gnomAD compares: Middle Eastern, 0.068%; 1 homozygote.

Submissions (2):

Illumina Laboratory Services, Illumina
Classification: Benign for Dystonia 12. Last evaluated: 2018-01-13. Review status: criteria provided, single submitter. Criteria: ICSL Variant Classification Criteria 13 December 2019. Collection method: clinical testing. Allele origin: germline.
Comment: This variant was observed in the ICSL laboratory as part of a predisposition screen in an ostensibly healthy population. It had not been previously curated by ICSL or reported in the Human Gene Mutation Database (HGMD: prior to June 1st, 2018), and was therefore a candidate for classification through an automated scoring system. Utilizing variant allele frequency, disease prevalence and penetrance estimates, and inheritance mode, an automated score was calculated to assess if this variant is too frequent to cause the disease. Based on the score and internal cut-off values, a variant classified as benign is not then subjected to further curation. The score for this variant resulted in a classification of benign for this disease.

Illumina Laboratory Services, Illumina
Classification: Benign for Alternating hemiplegia of childhood 2. Last evaluated: 2018-01-13. Review status: criteria provided, single submitter. Criteria: ICSL Variant Classification Criteria 13 December 2019. Collection method: clinical testing. Allele origin: germline.
Comment: the same text as in the submission from Illumina Laboratory Services, Illumina above.

NM_152296.5(ATP1A3):c.*236T>C

Gene: ATP1A3 (ATPase Na+/K+ transporting subunit alpha 3; minus strand). Cytogenetic location: 19q13.2.
Variant type: single nucleotide variant.
Coding change: c.*236T>C on transcript NM_152296.5 (MANE Select); 236 bases downstream of the stop codon, T replaced by C.
Molecular consequence: 3 prime UTR variant.
Genome position (GRCh38, 1-based): chr19:41,966,701, A>G on the plus strand (T>C on the coding strand, the complement: ATP1A3 is on the minus strand). VCF-style: chr19-41966701-A-G. GRCh37 (hg19) VCF-style: chr19-42470853-A-G.
Other names: c.*236T>C (NM_001256213.2, NM_001256214.2).
Identifiers: ClinVar variation 329398 (VCV000329398.5), dbSNP rs199854166, ClinGen allele CA9467149.